The following is an entry in ClinVar:

ClinVar aggregate classification (germline): Pathogenic (1 of 4 stars; one submission).

Conditions:
Severe myoclonic epilepsy in infancy (DRVT). Also called: Epileptic encephalopathy, early infantile, 6 (Dravet syndrome); SEVERE MYOCLONIC EPILEPSY OF INFANCY; DEVELOPMENTAL AND EPILEPTIC ENCEPHALOPATHY 6A; Severe Myoclonic Epilepsy in Infancy (SMEI); Dravet syndrome. Identifiers: Orphanet 33069, MedGen C0751122, MONDO:0100135, OMIM 607208.

Submission:

Center for Bioinformatics, Peking University
Classification: Pathogenic for Dravet syndrome. Last evaluated: 2014-12-20. Review status: criteria provided, single submitter. Criteria: Xu et al. (Hum Mutat. 2015). Collection method: research. Allele origin: de novo. Affected: yes. Observed: 1 variant allele. Study: University Clinical Cooperation “985 Project” PKU-2014-1-1.
Comment: Dravet syndrome (DS) probands were recruited from the outpatient and inpatient child neurology units of Peking University First Hospital from 2005 till present. The study was approved by the Ethics Committee of Peking University First Hospital and the Institutional Review Board at Peking University. Participants or their parents provided written informed consent before enrollment. We collected a total of 267 mutations from 255 families with probands diagnosed with DS in China. All probands fulfilled the clinical diagnostic criteria.

NM_001165963.4(SCN1A):c.433A>G (p.Met145Val)

Gene: SCN1A (sodium voltage-gated channel alpha subunit 1; minus strand). Cytogenetic location: 2q24.3.
Variant type: single nucleotide variant.
Coding change: c.433A>G on transcript NM_001165963.4 (MANE Select); coding-DNA position 433, A replaced by G.
Protein change: p.Met145Val; replaces methionine 145 with valine.
Molecular consequence: missense variant. On other transcripts: 5 prime UTR variant (1), non-coding transcript variant (1).
Genome position (GRCh38, 1-based): chr2:166,056,451, T>C on the plus strand (A>G on the coding strand, the complement: SCN1A is on the minus strand). VCF-style: chr2-166056451-T-C. GRCh37 (hg19) VCF-style: chr2-166912961-T-C.
Other names: c.433A>G, p.Met145Val (NM_001165964.3, NM_001202435.3, NM_001353948.2 and 10 more transcripts); c.-1993A>G (NM_001353961.2); short protein forms M145V.
Identifiers: ClinVar variation 190024 (VCV000190024.1), dbSNP rs794726849, ClinGen allele CA303585.
Genomic context (GRCh38, chr2:166,056,451, plus strand): 5'-AAAATATAAGTTGAACTTACTCTACATTCTTTGTCCAATCAGGAGGGTTACTCATTGTCA[T>C]AAACACACAGTTTGTCAAAATAGTGCACATAATTAGCATGCTGAATAATGTAGGTTATTG-3'
Protein context (NP_001159435.1, residues 135-155): MCTILTNCVF[Met145Val]TMSNPPDWTK